The following is an entry in ClinVar:

NM_001378454.1(ALMS1):c.6535A>G (p.Thr2179Ala)

Gene: ALMS1 (ALMS1 centrosome and basal body associated protein; plus strand). Cytogenetic location: 2p13.1.
Variant type: single nucleotide variant.
Coding change: c.6535A>G on transcript NM_001378454.1 (MANE Select); coding-DNA position 6535, A replaced by G.
Protein change: p.Thr2179Ala; replaces threonine 2179 with alanine.
Molecular consequence: missense variant.
Genome position (GRCh38, 1-based): chr2:73,453,062, A>G. VCF-style: chr2-73453062-A-G. GRCh37 (hg19) VCF-style: chr2-73680189-A-G.
Other names: c.6538A>G, p.Thr2180Ala (NM_015120.4); short protein forms T2179A, T2180A.
Identifiers: ClinVar variation 1060491 (VCV001060491.4), dbSNP rs907136479, ClinGen allele CA50397871.

ClinVar aggregate classification (germline): Uncertain significance (1 of 4 stars; one submission).

Conditions:
Alstrom syndrome (ALMS). Identifiers: Orphanet 64, MedGen C0268425, MONDO:0008763, OMIM 203800.

Allele frequency attached by ClinVar (database versions not stated): TOPMed below 0.00001.

Submission:

Labcorp Genetics (formerly Invitae), Labcorp
Classification: Uncertain significance for Alstrom syndrome. Last evaluated: 2022-10-13. Review status: criteria provided, single submitter. Criteria: Invitae Variant Classification Sherloc (09022015). Collection method: clinical testing. Allele origin: germline.
Comment: This sequence change replaces threonine, which is neutral and polar, with alanine, which is neutral and non-polar, at codon 2180 of the ALMS1 protein (p.Thr2180Ala). This variant is not present in population databases (gnomAD no frequency). This variant has not been reported in the literature in individuals affected with ALMS1-related conditions. ClinVar contains an entry for this variant (Variation ID: 1060491). Experimental studies and prediction algorithms are not available or were not evaluated, and the functional significance of this variant is currently unknown. In summary, the available evidence is currently insufficient to determine the role of this variant in disease. Therefore, it has been classified as a Variant of Uncertain Significance.